The following is an entry in ClinVar:

NM_001110219.3(GJB6):c.-295-100C>T

Gene: GJB6 (gap junction protein beta 6; minus strand). Cytogenetic location: 13q12.11.
Variant type: single nucleotide variant.
Coding change: c.-295-100C>T on transcript NM_001110219.3 (MANE Select); 100 bases into the intron before 295 bases upstream of the start codon, C replaced by T.
Molecular consequence: intron variant. On other transcripts: 5 prime UTR variant (1).
Genome position (GRCh38, 1-based): chr13:20,230,907, G>A on the plus strand (C>T on the coding strand, the complement: GJB6 is on the minus strand). VCF-style: chr13-20230907-G-A. GRCh37 (hg19) VCF-style: chr13-20805046-G-A.
Other names: c.-227C>T (NM_006783.5); c.-185-1158C>T (NM_001110221.3); c.-186+475C>T (NM_001370091.1, NM_001110220.3); c.-301-94C>T (NM_001370090.1); c.-295-100C>T (NM_001370092.1).
Identifiers: ClinVar variation 311392 (VCV000311392.6), dbSNP rs55901410, ClinGen allele CA10633968.

ClinVar aggregate classification (germline): Likely benign. Review status: criteria provided, multiple submitters, no conflicts (2 of 4 stars). 2 submissions from 2 submitters: Likely benign (2). Last evaluated 2024-11-26.

Conditions:
Hidrotic ectodermal dysplasia syndrome (GJB6). Also called: ECTODERMAL DYSPLASIA 2, CLOUSTON TYPE; Ectodermal dysplasia 2, hidrotic; Autosomal dominant hidrotic ectodermal dysplasia; Clouston syndrome; Clouston's hidrotic ectodermal dysplasia; CLOUSTON HIDROTIC ECTODERMAL DYSPLASIA. Identifiers: Orphanet 189, MedGen C0162361, MONDO:0007510, OMIM 129500.

Allele frequency attached by ClinVar (database versions not stated): gnomAD 0.00153 and 0.00204; TOPMed 0.00219; 1000 Genomes Project 0.00280; 1000 Genomes Project 30x 0.00312.

Submissions (2):

Blueprint Genetics
Classification: Likely benign. Last evaluated: 2024-11-26. Review status: criteria provided, single submitter. Criteria: ACMG Guidelines, 2015. Collection method: clinical testing. Allele origin: germline.

Illumina Laboratory Services, Illumina
Classification: Likely benign for Hidrotic ectodermal dysplasia syndrome. Last evaluated: 2018-01-12. Review status: criteria provided, single submitter. Criteria: ICSL Variant Classification Criteria 13 December 2019. Collection method: clinical testing. Allele origin: germline.
Comment: This variant was observed in the ICSL laboratory as part of a predisposition screen in an ostensibly healthy population. It had not been previously curated by ICSL or reported in the Human Gene Mutation Database (HGMD: prior to June 1st, 2018), and was therefore a candidate for classification through an automated scoring system. Utilizing variant allele frequency, disease prevalence and penetrance estimates, and inheritance mode, an automated score was calculated to assess if this variant is too frequent to cause the disease. Based on the score and internal cut-off values, a variant classified as likely benign is not then subjected to further curation. The score for this variant resulted in a classification of likely benign for this disease.